The following is an entry in ClinVar:

ClinVar aggregate classification (germline): Uncertain significance (1 of 4 stars; one submission).

Conditions:
Gorlin syndrome. Also called: Nevoid Basal Cell Carcinoma Syndrome; Basal cell nevus syndrome. Identifiers: Orphanet 377, MedGen C0004779, MONDO:0007187.

Submission:

Labcorp Genetics (formerly Invitae), Labcorp
Classification: Uncertain significance for Gorlin syndrome. Last evaluated: 2022-01-26. Review status: criteria provided, single submitter. Criteria: Invitae Variant Classification Sherloc (09022015). Collection method: clinical testing. Allele origin: germline.
Comment: ClinVar contains an entry for this variant (Variation ID: 939487). This sequence change replaces proline, which is neutral and non-polar, with leucine, which is neutral and non-polar, at codon 1262 of the PTCH1 protein (p.Pro1262Leu). This variant is not present in population databases (gnomAD no frequency). This variant has not been reported in the literature in individuals affected with PTCH1-related conditions. Algorithms developed to predict the effect of missense changes on protein structure and function (SIFT, PolyPhen-2, Align-GVGD) all suggest that this variant is likely to be tolerated. In summary, the available evidence is currently insufficient to determine the role of this variant in disease. Therefore, it has been classified as a Variant of Uncertain Significance.

NM_000264.5(PTCH1):c.3785C>T (p.Pro1262Leu)

Gene: PTCH1 (patched 1; minus strand). Cytogenetic location: 9q22.32.
Variant type: single nucleotide variant.
Coding change: c.3785C>T on transcript NM_000264.5 (MANE Select); coding-DNA position 3785, C replaced by T.
Protein change: p.Pro1262Leu; replaces proline 1262 with leucine.
Molecular consequence: missense variant. On other transcripts: non-coding transcript variant (1).
Genome position (GRCh38, 1-based): chr9:95,449,088, G>A on the plus strand (C>T on the coding strand, the complement: PTCH1 is on the minus strand). VCF-style: chr9-95449088-G-A. GRCh37 (hg19) VCF-style: chr9-98211370-G-A.
Other names: c.3587C>T, p.Pro1196Leu (NM_001083602.3); c.3782C>T, p.Pro1261Leu (NM_001083603.3); c.3332C>T, p.Pro1111Leu (NM_001083604.3, NM_001083605.3, NM_001083606.3 and 1 more transcripts); c.3629C>T, p.Pro1210Leu (NM_001354918.2); short protein forms P1210L, P1262L, P1111L, P1196L, P1261L.
Identifiers: ClinVar variation 939487 (VCV000939487.10), dbSNP rs1838206596, ClinGen allele CA374110938.